The following is an entry in ClinVar:

ClinVar aggregate classification (germline): Uncertain significance (1 of 4 stars; one submission).

Conditions:
Gastrointestinal stromal tumor. Also called: Gastrointestinal stromal tumor, somatic; Gastrointestinal stroma tumor. Identifiers: Orphanet 44890, MedGen C0238198, MeSH D046152, MONDO:0011719, OMIM 606764, HP:0100723.

Submission:

Labcorp Genetics (formerly Invitae), Labcorp
Classification: Uncertain significance for Gastrointestinal stromal tumor. Last evaluated: 2023-08-17. Review status: criteria provided, single submitter. Criteria: Invitae Variant Classification Sherloc (09022015). Collection method: clinical testing. Allele origin: germline.
Comment: This sequence change replaces serine, which is neutral and polar, with cysteine, which is neutral and slightly polar, at codon 771 of the KIT protein (p.Ser771Cys). Information on the frequency of this variant in the gnomAD database is not available, as this variant may be reported differently in the database. This variant has not been reported in the literature in individuals affected with KIT-related conditions. Experimental studies and prediction algorithms are not available or were not evaluated, and the functional significance of this variant is currently unknown. In summary, the available evidence is currently insufficient to determine the role of this variant in disease. Therefore, it has been classified as a Variant of Uncertain Significance.

NM_000222.3(KIT):c.2310_2311delinsTT (p.Ser771Cys)

Gene: KIT (KIT proto-oncogene, receptor tyrosine kinase; plus strand). Cytogenetic location: 4q12.
Variant type: Indel.
Coding change: c.2310_2311delinsTT on transcript NM_000222.3 (MANE Select); coding-DNA positions 2310 to 2311, GA replaced by TT.
Protein change: p.Ser771Cys; replaces serine 771 with cysteine.
Molecular consequence: missense variant.
Genome position (GRCh38, 1-based): chr4:54,731,947-54,731,948, GA replaced by TT. VCF-style: chr4-54731947-GA-TT. GRCh37 (hg19) VCF-style: chr4-55598113-GA-TT.
Other names: c.2298_2299delinsTT, p.Ser767Cys (NM_001093772.2, NM_001385292.1); c.2313_2314delinsTT, p.Ser772Cys (NM_001385284.1); c.2307_2308delinsTT, p.Ser770Cys (NM_001385285.1); c.2295_2296delinsTT, p.Ser766Cys (NM_001385286.1); c.2301_2302delinsTT, p.Ser768Cys (NM_001385288.1); c.2310_2311delinsTT, p.Ser771Cys (NM_001385290.1); short protein forms S770C, S771C, S772C, S766C, S767C, S768C.
Identifiers: ClinVar variation 2753480 (VCV002753480.3), dbSNP rs2475565266, ClinGen allele CA2697546722.